The following is an entry in ClinVar:

ClinVar aggregate classification (germline): Benign/Likely benign. Review status: criteria provided, multiple submitters, no conflicts (2 of 4 stars). 6 submissions from 6 submitters: Benign (4); Likely benign (2). Last evaluated 2026-07-01.

Conditions:
Joubert syndrome 20 (JBTS20). Identifiers: Orphanet 475, MedGen C3554235, MONDO:0013994, OMIM 614970.
Meckel syndrome, type 11 (MKS11). Identifiers: Orphanet 564, MedGen C3809352, MONDO:0014164, OMIM 615397.

Allele frequency attached by ClinVar (database versions not stated): gnomAD 0.00019; TOPMed 0.00029; ESP Exome Variant Server 0.00033; gnomAD exomes 0.00199; 1000 Genomes Project 0.00339; 1000 Genomes Project 30x 0.00359; ExAC 0.00416.
gnomAD v4.1: 1,687 of 1,586,852 alleles (0.11%); highest among the groups gnomAD compares: South Asian, 1.3%; 20 homozygotes.

Submissions (6):

CeGaT Center for Human Genetics Tuebingen
Classification: Benign. Last evaluated: 2026-07-01. Review status: criteria provided, single submitter. Criteria: CeGaT Center For Human Genetics Tuebingen Variant Classification Criteria Version 2. Collection method: clinical testing. Allele origin: germline. Affected: yes. Observed: 3 variant alleles.
Comment: TMEM231: BP4, BS1, BS2

Labcorp Genetics (formerly Invitae), Labcorp
Classification: Benign for Joubert syndrome 20; Meckel syndrome, type 11. Last evaluated: 2026-01-28. Review status: criteria provided, single submitter. Criteria: Invitae Variant Classification Sherloc (09022015). Collection method: clinical testing. Allele origin: germline.

Blueprint Genetics
Classification: Likely benign. Last evaluated: 2024-11-27. Review status: criteria provided, single submitter. Criteria: ACMG Guidelines, 2015. Collection method: clinical testing. Allele origin: germline.

GeneDx
Classification: Benign. Last evaluated: 2017-09-07. Review status: criteria provided, single submitter. Criteria: GeneDx Variant Classification (06012015). Collection method: clinical testing. Allele origin: germline. Affected: yes.
Comment: This variant is considered likely benign or benign based on one or more of the following criteria: it is a conservative change, it occurs at a poorly conserved position in the protein, it is predicted to be benign by multiple in silico algorithms, and/or has population frequency not consistent with disease.

Genetic Services Laboratory, University of Chicago
Classification: Benign. Last evaluated: 2017-06-21. Review status: criteria provided, single submitter. Criteria: ACMG Guidelines, 2015. Collection method: clinical testing. Allele origin: germline. Affected: no.

PreventionGenetics, part of Exact Sciences
Classification: Likely benign. Review status: criteria provided, single submitter. Criteria: ACMG Guidelines, 2015. Collection method: clinical testing. Allele origin: germline.

NM_001077418.3(TMEM231):c.140-28C>G

Genes: TMEM231 (transmembrane protein 231; minus strand), LOC130059440 (ATAC-STARR-seq lymphoblastoid silent region 7724; plus strand). Cytogenetic location: 16q23.1.
Variant type: single nucleotide variant.
Coding change: c.140-28C>G on transcript NM_001077418.3 (MANE Select); 28 bases into the intron before coding-DNA position 140, C replaced by G.
Molecular consequence: intron variant. On other transcripts: missense variant (1).
Genome position (GRCh38, 1-based): chr16:75,556,001, G>C on the plus strand (C>G on the coding strand, the complement: TMEM231 is on the minus strand). VCF-style: chr16-75556001-G-C. GRCh37 (hg19) VCF-style: chr16-75589899-G-C.
Other names: c.271C>G, p.Arg91Gly (NM_001077416.2); short protein forms R91G.
Identifiers: ClinVar variation 257329 (VCV000257329.40), dbSNP rs375353411, ClinGen allele CA8176281.
Genomic context (GRCh38, chr16:75,556,001, plus strand): 5'-GCTCCTCGTAGCTGCTCCGCTTCAGCCAAAACCCTGAGTTAAAGAGGGCGGTAGGGAGGC[G>C]GTTAGGGAGGCCGGCCCTGGCCGAGCGCGCCCGGGGAGCCTCGTGGCACAGCGGCCGGGG-3'